The following is an entry in ClinVar:

NM_002335.4(LRP5):c.2774GCTGCG[3] (p.Cys928_Ala929insGlyCys)

Gene: LRP5 (LDL receptor related protein 5; plus strand). Cytogenetic location: 11q13.2.
Variant type: Microsatellite.
Coding change: c.2774GCTGCG[3] on transcript NM_002335.4 (MANE Select); three copies in a row of the 6-base unit GCTGCG starting at c.2774; the reference has two copies in a row; one copy, 6 bases duplicated.
Protein change: p.Cys928_Ala929insGlyCys.
Molecular consequence: inframe insertion.
Genome position (GRCh38, 1-based): chr11:68,413,965-68,413,970, GCTGCG duplicated; duplicating any 6 consecutive bases within chr11:68,413,959-68,413,970 gives the same sequence; the position shown is the placement nearest the transcript's 3' end. VCF-style (leftmost placement, unchanged base first): chr11-68413958-C-CGCTGCG. GRCh37 (hg19) VCF-style: chr11-68181426-C-CGCTGCG.
Other names: c.1031GCTGCG[3], p.Cys347_Ala348insGlyCys (NM_001291902.2).
Identifiers: ClinVar variation 4733839 (VCV004733839.1).

ClinVar aggregate classification (germline): Uncertain significance (1 of 4 stars; one submission).

Submission:

Labcorp Genetics (formerly Invitae), Labcorp
Classification: Uncertain significance. Last evaluated: 2025-12-22. Review status: criteria provided, single submitter. Criteria: Invitae Variant Classification Sherloc (09022015). Collection method: clinical testing. Allele origin: germline.
Comment: This variant, c.2780_2785dup, results in the insertion of 2 amino acid(s) of the LRP5 protein (p.Gly927_Cys928dup), but otherwise preserves the integrity of the reading frame. This variant is not present in population databases (gnomAD no frequency). This variant has not been reported in the literature in individuals affected with LRP5-related conditions. In summary, the available evidence is currently insufficient to determine the role of this variant in disease. Therefore, it has been classified as a Variant of Uncertain Significance.